The following is an entry in ClinVar:

NM_001374828.1(ARID1B):c.1658C>T (p.Ala553Val)

Gene: ARID1B (AT-rich interaction domain 1B; plus strand). Cytogenetic location: 6q25.3.
Variant type: single nucleotide variant.
Coding change: c.1658C>T on transcript NM_001374828.1 (MANE Select); coding-DNA position 1658, C replaced by T.
Protein change: p.Ala553Val; replaces alanine 553 with valine.
Molecular consequence: missense variant.
Genome position (GRCh38, 1-based): chr6:156,779,338, C>T. VCF-style: chr6-156779338-C-T. GRCh37 (hg19) VCF-style: chr6-157100472-C-T.
Other names: c.1658C>T, p.Ala553Val (NM_001438490.1, NM_001438491.1, NM_001438492.1 and 9 more transcripts); short protein forms A553V.
Identifiers: ClinVar variation 4881200 (VCV004881200.2).

ClinVar aggregate classification (germline): Uncertain significance (1 of 4 stars; one submission).

Submission:

Dasa
Classification: Uncertain significance. Last evaluated: 2024-12-11. Review status: criteria provided, single submitter. Criteria: DASA Assertion Criteria. Collection method: clinical testing. Allele origin: germline.
Comment: NM_001374828.1(ARID1B):c.1658C>T (p.Ala553Val) is a missense variant that results in the substitution of alanine with valine. This variant is absent from population databases. Computational prediction algorithms are consistent with a benign effect. The currently available literature and clinical evidence are not sufficient to establish a definitive association between this variant and the reported condition. Therefore, this variant is classified as a variant of uncertain significance.